The following is an entry in ClinVar:

ClinVar aggregate classification (germline): Conflicting classifications of pathogenicity. Review status: criteria provided, conflicting classifications (1 of 4 stars). 8 submissions from 8 submitters: Uncertain significance (1); Likely benign (5). 2 of the submissions do not count toward it. Last evaluated 2025-11-12.

Allele frequency attached by ClinVar (database versions not stated): 1000 Genomes Project 30x 0.00016; TOPMed 0.00019; 1000 Genomes Project 0.00020; ESP Exome Variant Server 0.00023; gnomAD 0.00023 and 0.00024; gnomAD exomes 0.00023 and 0.00042; ExAC 0.00031.
gnomAD v4.1: 644 of 1,614,102 alleles (0.04%); highest among the groups gnomAD compares: Middle Eastern, 0.066%; no homozygotes.

Submissions (8):

Labcorp Genetics (formerly Invitae), Labcorp
Classification: Likely benign. Last evaluated: 2025-11-12. Review status: criteria provided, single submitter. Criteria: Invitae Variant Classification Sherloc (09022015). Collection method: clinical testing. Allele origin: germline.

CeGaT Center for Human Genetics Tuebingen
Classification: Likely benign. Last evaluated: 2025-09-01. Review status: criteria provided, single submitter. Criteria: CeGaT Center For Human Genetics Tuebingen Variant Classification Criteria Version 2. Collection method: clinical testing. Allele origin: germline. Affected: yes. Observed: 7 variant alleles.
Comment: RERE: BP4, BS1

Laboratory of Genetics, Children's Clinical University Hospital Latvia
Classification: Likely benign. Last evaluated: 2025-02-16. Review status: criteria provided, single submitter. Criteria: ACMG Guidelines, 2015. Collection method: clinical testing. Allele origin: germline. Affected: yes.

Blueprint Genetics
Classification: Likely benign. Last evaluated: 2024-09-13. Review status: criteria provided, single submitter. Criteria: ACMG Guidelines, 2015. Collection method: clinical testing. Allele origin: germline.

Institute for Clinical Genetics, University Hospital TU Dresden, University Hospital TU Dresden
Classification: Uncertain significance. Last evaluated: 2021-11-03. Review status: criteria provided, single submitter. Criteria: ACMG Guidelines, 2015. Collection method: clinical testing. Allele origin: germline.

Center for Pediatric Genomic Medicine, Children's Mercy Hospital and Clinics
Classification: Likely benign. Last evaluated: 2016-11-11. Review status: criteria provided, single submitter. Criteria: ACMG Guidelines, 2015. Collection method: clinical testing. Allele origin: germline.
ClinVar note: Converted during submission from Likely Benign to Likely benign.

Clinical Genetics DNA and cytogenetics Diagnostics Lab, Erasmus MC, Erasmus Medical Center
Classification: Likely benign. Review status: no assertion criteria provided. Collection method: clinical testing. Allele origin: germline. Affected: yes. Study: VKGL Data-share Consensus. Not counted in ClinVar's aggregate classification.

Laboratory of Diagnostic Genome Analysis, Leiden University Medical Center (LUMC)
Classification: Likely benign. Review status: no assertion criteria provided. Collection method: clinical testing. Allele origin: germline. Affected: yes. Study: VKGL Data-share Consensus. Not counted in ClinVar's aggregate classification.

NM_001042681.2(RERE):c.1964C>T (p.Ala655Val)

Gene: RERE (arginine-glutamic acid dipeptide repeats; minus strand). Cytogenetic location: 1p36.23.
Variant type: single nucleotide variant.
Coding change: c.1964C>T on transcript NM_001042681.2 (MANE Select); coding-DNA position 1964, C replaced by T.
Protein change: p.Ala655Val; replaces alanine 655 with valine.
Molecular consequence: missense variant.
Genome position (GRCh38, 1-based): chr1:8,361,815, G>A on the plus strand (C>T on the coding strand, the complement: RERE is on the minus strand). VCF-style: chr1-8361815-G-A. GRCh37 (hg19) VCF-style: chr1-8421875-G-A.
Other names: c.302C>T, p.Ala101Val (NM_001042682.2); c.1964C>T, p.Ala655Val (NM_012102.4); short protein forms A655V, A101V.
Identifiers: ClinVar variation 377206 (VCV000377206.40), dbSNP rs149900041, ClinGen allele CA571492.